The following is an entry in ClinVar:

NM_001077268.2(ZFYVE19):c.1142G>A (p.Ser381Asn)

Gene: ZFYVE19 (zinc finger FYVE-type containing 19; plus strand). Cytogenetic location: 15q15.1.
Variant type: single nucleotide variant.
Coding change: c.1142G>A on transcript NM_001077268.2 (MANE Select); coding-DNA position 1142, G replaced by A.
Protein change: p.Ser381Asn; replaces serine 381 with asparagine.
Molecular consequence: missense variant.
Genome position (GRCh38, 1-based): chr15:40,813,744, G>A. VCF-style: chr15-40813744-G-A. GRCh37 (hg19) VCF-style: chr15-41105942-G-A.
Other names: c.938G>A, p.Ser313Asn (NM_001258420.2); c.617G>A, p.Ser206Asn (NM_001258421.2); c.1112G>A, p.Ser371Asn (NM_032850.5); short protein forms S206N, S313N, S371N, S381N.
Identifiers: ClinVar variation 3035438 (VCV003035438.2), dbSNP rs34516375, ClinGen allele CA7485891.

ClinVar aggregate classification (germline): Likely benign (0 of 4 stars; one submission).

Conditions:
ZFYVE19-related disorder. Also called: ZFYVE19-related condition.

Allele frequency attached by ClinVar (database versions not stated): 1000 Genomes Project 0.00140; 1000 Genomes Project 30x 0.00141; TOPMed 0.00217; ExAC 0.00254; ESP Exome Variant Server 0.00271; gnomAD 0.00277; gnomAD exomes 0.00334.

Submission:

PreventionGenetics, part of Exact Sciences
Classification: Likely benign for ZFYVE19-related condition. Last evaluated: 2023-01-04. Review status: no assertion criteria provided. Collection method: clinical testing. Allele origin: germline.
Comment: This variant is classified as likely benign based on ACMG/AMP sequence variant interpretation guidelines (Richards et al. 2015 PMID: 25741868, with internal and published modifications).